The following is an entry in ClinVar:

NM_000455.5(STK11):c.920+9C>T

Gene: STK11 (serine/threonine kinase 11; plus strand). Cytogenetic location: 19p13.3.
Variant type: single nucleotide variant.
Coding change: c.920+9C>T on transcript NM_000455.5 (MANE Select); 9 bases into the intron after coding-DNA position 920, C replaced by T.
Molecular consequence: intron variant.
Genome position (GRCh38, 1-based): chr19:1,222,015, C>T. VCF-style: chr19-1222015-C-T. GRCh37 (hg19) VCF-style: chr19-1222014-C-T.
Identifiers: ClinVar variation 1532560 (VCV001532560.9), dbSNP rs757109406, ClinGen allele CA049621.

ClinVar aggregate classification (germline): Likely benign. Review status: criteria provided, multiple submitters, no conflicts (2 of 4 stars). 2 submissions from 2 submitters: Likely benign (2). Last evaluated 2025-03-28.

Conditions:
Peutz-Jeghers syndrome (PJS). Also called: POLYPOSIS, HAMARTOMATOUS INTESTINAL; POLYPS-AND-SPOTS SYNDROME; Peutz-Jeghers polyposis; Periorificial lentiginosis syndrome. Identifiers: Orphanet 2869, MedGen C0031269, MeSH D010580, MONDO:0008280, OMIM 175200.

Allele frequency attached by ClinVar (database versions not stated): ExAC 0.00004.
gnomAD v4.1: 2 of 1,565,034 alleles (0.00013%); highest among the groups gnomAD compares: Non-Finnish European, 0.000087%; no homozygotes.

Submissions (2):

Myriad Genetics, Inc.
Classification: Likely benign for Peutz-Jeghers syndrome. Last evaluated: 2025-03-28. Review status: criteria provided, single submitter. Criteria: Myriad Autosomal Dominant, Autosomal Recessive and X-Linked Classification Criteria (2023). Collection method: clinical testing. Allele origin: unknown.
Comment: This variant is considered likely benign. This variant is intronic and is not expected to impact mRNA splicing.

Labcorp Genetics (formerly Invitae), Labcorp
Classification: Likely benign for Peutz-Jeghers syndrome. Last evaluated: 2023-08-16. Review status: criteria provided, single submitter. Criteria: Invitae Variant Classification Sherloc (09022015). Collection method: clinical testing. Allele origin: germline.